The following is an entry in ClinVar:

ClinVar aggregate classification (germline): Uncertain significance (1 of 4 stars; one submission).

Conditions:
COG5-congenital disorder of glycosylation. Also called: CDG IIi; CONGENITAL DISORDER OF GLYCOSYLATION, TYPE IIi; COG5-CDG. Identifiers: Orphanet 263487, MedGen C3150876, MONDO:0013325, OMIM 613612.

Allele frequency attached by ClinVar (database versions not stated): gnomAD 0.00002.

Submissions (2):

Labcorp Genetics (formerly Invitae), Labcorp
Classification: Uncertain significance for COG5-congenital disorder of glycosylation. Last evaluated: 2022-04-01. Review status: criteria provided, single submitter. Criteria: Invitae Variant Classification Sherloc (09022015). Collection method: clinical testing. Allele origin: germline.
Comment: This sequence change falls in intron 6 of the COG5 gene. It does not directly change the encoded amino acid sequence of the COG5 protein. It affects a nucleotide within the consensus splice site. The frequency data for this variant in the population databases is considered unreliable, as metrics indicate poor data quality at this position in the gnomAD database. This variant has not been reported in the literature in individuals affected with COG5-related conditions. Variants that disrupt the consensus splice site are a relatively common cause of aberrant splicing (PMID: 17576681, 9536098). Algorithms developed to predict the effect of sequence changes on RNA splicing suggest that this variant is not likely to affect RNA splicing. In summary, the available evidence is currently insufficient to determine the role of this variant in disease. Therefore, it has been classified as a Variant of Uncertain Significance.

Dr. Peter K. Rogan Lab, Western University
No classification provided (evidence only). Condition: Sarcoma. Review status: no classification provided. Collection method: in vitro. Allele origin: not applicable. Functional consequence: retained intron. Not counted in ClinVar's aggregate classification.

Literature cited by the submitters: PubMed 17576681 (cited by Labcorp Genetics (formerly Invitae), Labcorp); PubMed 9536098 (cited by Labcorp Genetics (formerly Invitae), Labcorp).

NM_006348.5(COG5):c.538+5G>T

Gene: COG5 (component of oligomeric golgi complex 5; minus strand). Cytogenetic location: 7q22.3.
Variant type: single nucleotide variant.
Coding change: c.538+5G>T on transcript NM_006348.5 (MANE Select); 5 bases into the intron after coding-DNA position 538, G replaced by T.
Molecular consequence: intron variant.
Genome position (GRCh38, 1-based): chr7:107,527,232, C>A on the plus strand (G>T on the coding strand, the complement: COG5 is on the minus strand). VCF-style: chr7-107527232-C-A. GRCh37 (hg19) VCF-style: chr7-107167677-C-A.
Other names: c.234+30744G>T (NM_001379516.1); c.538+5G>T (NM_001379515.1, NM_001379511.1, NM_001379512.1 and 4 more transcripts).
Identifiers: ClinVar variation 2185957 (VCV002185957.2), dbSNP rs1345114660, ClinGen allele CA457081062.